The following is an entry in ClinVar:

NM_000503.6(EYA1):c.883T>A (p.Leu295Met)

Gene: EYA1 (EYA transcriptional coactivator and phosphatase 1; minus strand). Cytogenetic location: 8q13.3.
Variant type: single nucleotide variant.
Coding change: c.883T>A on transcript NM_000503.6 (MANE Select); coding-DNA position 883, T replaced by A.
Protein change: p.Leu295Met; replaces leucine 295 with methionine.
Molecular consequence: missense variant.
Genome position (GRCh38, 1-based): chr8:71,271,841, A>T on the plus strand (T>A on the coding strand, the complement: EYA1 is on the minus strand). VCF-style: chr8-71271841-A-T. GRCh37 (hg19) VCF-style: chr8-72184076-A-T.
Other names: c.865T>A, p.Leu289Met (NM_001288574.2); c.517T>A, p.Leu173Met (NM_001288575.2); c.970T>A, p.Leu324Met (NM_001370333.1); c.883T>A, p.Leu295Met (NM_001370334.1, NM_001370335.1, NM_172058.4); c.952T>A, p.Leu318Met (NM_001370336.1); c.784T>A, p.Leu262Met (NM_001411797.1, NM_172060.4); c.955T>A, p.Leu319Met (NM_172059.5); short protein forms L295M, L324M, L319M, L173M, L318M, L262M, L289M.
Identifiers: ClinVar variation 4977605 (VCV004977605.1).

ClinVar aggregate classification (germline): Uncertain significance (1 of 4 stars; one submission).

Conditions:
EYA1-related disorder. Also called: EYA1-related condition.

gnomAD v4.1: 1 of 1,614,154 alleles (0.000062%); highest among the groups gnomAD compares: African/African-American, 0.0013%; no homozygotes.

Submission:

PreventionGenetics, part of Exact Sciences
Classification: Uncertain significance for EYA1-related condition. Last evaluated: 2026-02-25. Review status: criteria provided, single submitter. Criteria: ACMG Guidelines, 2015. Collection method: clinical testing. Allele origin: germline.
Comment: The EYA1 c.883T>A variant is predicted to result in the amino acid substitution p.Leu295Met. To our knowledge, this variant has not been reported in the literature or in a large population database (gnomAD), indicating this variant is rare. At this time, the clinical significance of this variant is uncertain due to the absence of conclusive functional and genetic evidence.